The following is an entry in ClinVar:

ClinVar aggregate classification (germline): Pathogenic (1 of 4 stars; one submission).

Conditions:
Autosomal recessive limb-girdle muscular dystrophy type 2O. Also called: Limb-Girdle Muscular Dystrophy Type 3C; MUSCULAR DYSTROPHY-DYSTROGLYCANOPATHY (LIMB-GIRDLE), TYPE C, 3; MUSCULAR DYSTROPHY-DYSTROGLYCANOPATHY, LIMB-GIRDLE, POMGNT1-RELATED. Identifiers: Orphanet 206564, MedGen C3150417, MONDO:0013161, OMIM 613157.
Muscular dystrophy-dystroglycanopathy (congenital with impaired intellectual development), type B, 3. Also called: MUSCULAR DYSTROPHY, CONGENITAL, POMGNT1-RELATED; Muscular dystrophy-dystroglycanopathy (congenital with intellectual disability), type B3. Identifiers: MedGen C3150412, MONDO:0013155, OMIM 613151.

Submission:

Labcorp Genetics (formerly Invitae), Labcorp
Classification: Pathogenic for Autosomal recessive limb-girdle muscular dystrophy type 2O; Muscular dystrophy-dystroglycanopathy (congenital with impaired intellectual development), type B, 3. Last evaluated: 2022-11-30. Review status: criteria provided, single submitter. Criteria: Invitae Variant Classification Sherloc (09022015). Collection method: clinical testing. Allele origin: germline.
Comment: For these reasons, this variant has been classified as Pathogenic. This variant has not been reported in the literature in individuals affected with POMGNT1-related conditions. This variant is not present in population databases (gnomAD no frequency). This sequence change creates a premature translational stop signal (p.Trp234Glyfs*7) in the POMGNT1 gene. It is expected to result in an absent or disrupted protein product. Loss-of-function variants in POMGNT1 are known to be pathogenic (PMID: 19299310, 20816175, 21447391, 26908613, 27391550).

Literature cited by the submitters: PubMed 19299310; PubMed 20816175; PubMed 21447391; PubMed 26908613; PubMed 27391550.

NM_017739.4(POMGNT1):c.699del (p.Trp234fs)

Genes: POMGNT1 (protein O-linked mannose N-acetylglucosaminyltransferase 1 (beta 1,2-); minus strand), TSPAN1 (tetraspanin 1; plus strand). Cytogenetic location: 1p34.1.
Variant type: Deletion.
Coding change: c.699del on transcript NM_017739.4 (MANE Select); coding-DNA position 699, one base deleted (C; older notation c.699delC).
Protein change: p.Trp234fs; shifts the reading frame from tryptophan 234.
Molecular consequence: frameshift variant.
Genome position (GRCh38, 1-based): chr1:46,194,605, G deleted on the plus strand (C on the coding strand, the reverse complement: POMGNT1 is on the minus strand); the first of 2 consecutive G bases (chr1:46,194,605-46,194,606); deleting either gives the same sequence. VCF-style (leftmost placement, unchanged base first): chr1-46194604-AG-A. GRCh37 (hg19) VCF-style: chr1-46660276-AG-A.
Other names: c.699del, p.Trp234fs (NM_001243766.2, NM_001410783.1); c.632delC, p.Trp212Glyfs (NM_001290129.3); c.270del, p.Trp91fs (NM_001290130.2); short protein forms W234fs, W91fs, W212fs.
Identifiers: ClinVar variation 2937722 (VCV002937722.3), dbSNP rs2525429167, ClinGen allele CA2740090719.